The following is an entry in ClinVar:

ClinVar aggregate classification (germline): Uncertain significance (1 of 4 stars; one submission).

Allele frequency attached by ClinVar (database versions not stated): gnomAD exomes below 0.00001.

Submission:

Labcorp Genetics (formerly Invitae), Labcorp
Classification: Uncertain significance. Last evaluated: 2025-09-15. Review status: criteria provided, single submitter. Criteria: Invitae Variant Classification Sherloc (09022015). Collection method: clinical testing. Allele origin: germline.
Comment: This sequence change creates a premature translational stop signal (p.Lys77*) in the CLCC1 gene. It is expected to result in an absent or disrupted protein product. However, the current clinical and genetic evidence is not sufficient to establish whether loss-of-function variants in CLCC1 cause disease. This variant is present in population databases (no rsID available, gnomAD 0.004%). This variant has not been reported in the literature in individuals affected with CLCC1-related conditions. ClinVar contains an entry for this variant (Variation ID: 1005015). Algorithms developed to predict the effect of sequence changes on RNA splicing suggest that this variant may disrupt the consensus splice site. In summary, the available evidence is currently insufficient to determine the role of this variant in disease. Therefore, it has been classified as a Variant of Uncertain Significance.

NM_001377458.1(CLCC1):c.229_233del (p.Tyr76_Lys77insTer)

Gene: CLCC1 (chloride channel CLIC like 1; minus strand). Cytogenetic location: 1p13.3.
Variant type: Deletion.
Coding change: c.229_233del on transcript NM_001377458.1 (MANE Select); coding-DNA positions 229 to 233, 5 bases deleted (ATAAG; older notation c.229_233delATAAG).
Protein change: p.Tyr76_Lys77insTer.
Molecular consequence: nonsense. On other transcripts: 5 prime UTR variant (1), non-coding transcript variant (1), intron variant (1).
Genome position (GRCh38, 1-based): chr1:108,949,820-108,949,824, CTTAT deleted on the plus strand (ATAAG on the coding strand, the reverse complement: CLCC1 is on the minus strand). VCF-style (leftmost placement, unchanged base first): chr1-108949819-CCTTAT-C. GRCh37 (hg19) VCF-style: chr1-109492441-CCTTAT-C.
Other names: c.229_233del, p.Tyr76_Lys77insTer (NM_001048210.3, NM_001278202.2, NM_001278203.1 and 11 more transcripts); c.-234_-230del (NM_001377470.1); c.129+485_129+489del (NM_001377469.1).
Identifiers: ClinVar variation 1005015 (VCV001005015.5), dbSNP rs1482550396, ClinGen allele CA525265879.